The following is an entry in ClinVar:

ClinVar aggregate classification (germline): Uncertain significance. Review status: criteria provided, multiple submitters, no conflicts (2 of 4 stars). 2 submissions from 2 submitters: Uncertain significance (2). Last evaluated 2025-04-24.

Conditions:
COL18A1-related disorder. Also called: COL18A1-related disorders; COL18A1-related condition.

Allele frequency attached by ClinVar (database versions not stated): gnomAD 0.00001; TOPMed 0.00003; gnomAD exomes 0.00004.
gnomAD v4.1: 66 of 1,539,752 alleles (0.0043%); highest among the groups gnomAD compares: Non-Finnish European, 0.0052%; no homozygotes.

Submissions (2):

PreventionGenetics, part of Exact Sciences
Classification: Uncertain significance for COL18A1-related condition. Last evaluated: 2025-04-24. Review status: criteria provided, single submitter. Criteria: ACMG Guidelines, 2015. Collection method: clinical testing. Allele origin: germline.
Comment: The COL18A1 c.3838T>C variant is predicted to result in the amino acid substitution p.Tyr1280His. To our knowledge, this variant has not been reported in the literature or in a large population database (gnomAD), indicating this variant is rare. At this time, the clinical significance of this variant is uncertain due to the absence of conclusive functional and genetic evidence.

Labcorp Genetics (formerly Invitae), Labcorp
Classification: Uncertain significance. Last evaluated: 2022-04-09. Review status: criteria provided, single submitter. Criteria: Invitae Variant Classification Sherloc (09022015). Collection method: clinical testing. Allele origin: germline.
Comment: This sequence change replaces tyrosine, which is neutral and polar, with histidine, which is basic and polar, at codon 1100 of the COL18A1 protein (p.Tyr1100His). This variant is not present in population databases (gnomAD no frequency). This variant has not been reported in the literature in individuals affected with COL18A1-related conditions. Experimental studies and prediction algorithms are not available or were not evaluated, and the functional significance of this variant is currently unknown. In summary, the available evidence is currently insufficient to determine the role of this variant in disease. Therefore, it has been classified as a Variant of Uncertain Significance.

NM_001379500.1(COL18A1):c.3307T>C (p.Tyr1103His)

Genes: COL18A1 (collagen type XVIII alpha 1 chain; plus strand), SLC19A1 (solute carrier family 19 member 1; minus strand). Cytogenetic location: 21q22.3.
Variant type: single nucleotide variant.
Coding change: c.3307T>C on transcript NM_001379500.1 (MANE Select); coding-DNA position 3307, T replaced by C.
Protein change: p.Tyr1103His; replaces tyrosine 1103 with histidine.
Molecular consequence: missense variant.
Genome position (GRCh38, 1-based): chr21:45,509,413, T>C. VCF-style: chr21-45509413-T-C. GRCh37 (hg19) VCF-style: chr21-46929327-T-C.
Other names: c.3838T>C (NM_030582.3); c.3838T>C, p.Tyr1280His (NM_030582.4); c.4543T>C, p.Tyr1515His (NM_130444.3); short protein forms Y1280H, Y1103H, Y1515H.
Identifiers: ClinVar variation 1931345 (VCV001931345.3), dbSNP rs1039474023, ClinGen allele CA321923387.